The following is an entry in ClinVar:

ClinVar aggregate classification (germline): Conflicting classifications of pathogenicity. Review status: criteria provided, conflicting classifications (1 of 4 stars). 4 submissions from 4 submitters: Uncertain significance (3); Likely benign (1). Last evaluated 2024-06-30.

Conditions:
Hereditary cancer-predisposing syndrome. Also called: Neoplastic Syndromes, Hereditary; Tumor predisposition; Hereditary Cancer Syndrome; Hereditary neoplastic syndrome. Identifiers: Orphanet 140162, MedGen C0027672, MeSH D009386, MONDO:0015356.
Hereditary breast ovarian cancer syndrome. Also called: Breast and ovarian cancer; Hereditary breast and ovarian cancer; Hereditary breast and/or ovarian cancer syndrome; BRCA1- and BRCA2-Associated Hereditary Breast and Ovarian Cancer; Hereditary breast and ovarian cancer syndrome; Hereditary breast and ovarian cancer syndrome (HBOC). Identifiers: Orphanet 145, MedGen C0677776, MeSH D061325, MONDO:0003582. Disease mechanism: loss of function.

Submissions (4):

Ambry Genetics
Classification: Uncertain significance for Hereditary cancer-predisposing syndrome. Last evaluated: 2024-06-30. Review status: criteria provided, single submitter. Criteria: Ambry Variant Classification Scheme 2023. Collection method: clinical testing. Allele origin: germline.
Comment: The p.T2026A variant (also known as c.6076A>G), located in coding exon 10 of the BRCA2 gene, results from an A to G substitution at nucleotide position 6076. The threonine at codon 2026 is replaced by alanine, an amino acid with similar properties. This amino acid position is not well conserved in available vertebrate species. In addition, this alteration is predicted to be tolerated by in silico analysis. Since supporting evidence is limited at this time, the clinical significance of this alteration remains unclear.

University of Washington Department of Laboratory Medicine, University of Washington
Classification: Likely benign for Hereditary cancer-predisposing syndrome. Last evaluated: 2023-03-23. Review status: criteria provided, single submitter. Criteria: Dines et al. (Genet Med. 2020). Collection method: curation. Allele origin: germline.
Comment: Missense variant in a coldspot region where missense variants are very unlikely to be pathogenic (PMID:31911673).

BRCA2 exon 11 coldspot. Reclassification based on statistical prior probability.

Labcorp Genetics (formerly Invitae), Labcorp
Classification: Uncertain significance for Hereditary breast ovarian cancer syndrome. Last evaluated: 2022-10-05. Review status: criteria provided, single submitter. Criteria: Invitae Variant Classification Sherloc (09022015). Collection method: clinical testing. Allele origin: germline.
Comment: This sequence change replaces threonine, which is neutral and polar, with alanine, which is neutral and non-polar, at codon 2026 of the BRCA2 protein (p.Thr2026Ala). This variant is not present in population databases (gnomAD no frequency). In summary, the available evidence is currently insufficient to determine the role of this variant in disease. Therefore, it has been classified as a Variant of Uncertain Significance. Advanced modeling of protein sequence and biophysical properties (such as structural, functional, and spatial information, amino acid conservation, physicochemical variation, residue mobility, and thermodynamic stability) performed at Invitae indicates that this missense variant is not expected to disrupt BRCA2 protein function. ClinVar contains an entry for this variant (Variation ID: 142120). This variant has not been reported in the literature in individuals affected with BRCA2-related conditions.

Color Diagnostics, LLC DBA Color Health
Classification: Uncertain significance for Hereditary cancer-predisposing syndrome. Last evaluated: 2020-03-11. Review status: criteria provided, single submitter. Criteria: ACMG Guidelines, 2015. Collection method: clinical testing. Allele origin: germline.
Comment: This missense variant replaces threonine with alanine at codon 2026 of the BRCA2 protein. Computational prediction suggests that this variant may not impact protein structure and function (internally defined REVEL score threshold <= 0.5, PMID: 27666373). Splice site prediction tools suggest that this variant may not impact RNA splicing. To our knowledge, functional studies have not been reported for this variant. This variant has not been reported in individuals affected with hereditary cancer in the literature. This variant has not been identified in the general population by the Genome Aggregation Database (gnomAD). The available evidence is insufficient to determine the role of this variant in disease conclusively. Therefore, this variant is classified as a Variant of Uncertain Significance.

NM_000059.4(BRCA2):c.6076A>G (p.Thr2026Ala)

Gene: BRCA2 (BRCA2 DNA repair associated; plus strand). Cytogenetic location: 13q13.1.
Variant type: single nucleotide variant.
Coding change: c.6076A>G on transcript NM_000059.4 (MANE Select); coding-DNA position 6076, A replaced by G.
Protein change: p.Thr2026Ala; replaces threonine 2026 with alanine.
Molecular consequence: missense variant.
Genome position (GRCh38, 1-based): chr13:32,340,431, A>G. VCF-style: chr13-32340431-A-G. GRCh37 (hg19) VCF-style: chr13-32914568-A-G.
Other names: short protein forms T2026A.
Identifiers: ClinVar variation 142120 (VCV000142120.17), dbSNP rs587782249, ClinGen allele CA023608.
Genomic context (GRCh38, chr13:32,340,431, plus strand): 5'-AGTACCAAGCAAGTCTTTTCCAAAGTATTGTTTAAAAGTAACGAACATTCAGACCAGCTC[A>G]CAAGAGAAGAAAATACTGCTATACGTACTCCAGAACATTTAATATCCCAAAAAGGCTTTT-3'
Protein context (NP_000050.3, residues 2016-2036): FKSNEHSDQL[Thr2026Ala]REENTAIRTP